The following is an entry in ClinVar:

ClinVar aggregate classification (germline): Uncertain significance (1 of 4 stars; one submission).

gnomAD v4.1: 9 of 1,609,964 alleles (0.00056%); highest among the groups gnomAD compares: Non-Finnish European, 0.00042%; no homozygotes.

Submission:

Labcorp Genetics (formerly Invitae), Labcorp
Classification: Uncertain significance. Last evaluated: 2024-04-09. Review status: criteria provided, single submitter. Criteria: Invitae Variant Classification Sherloc (09022015). Collection method: clinical testing. Allele origin: germline.
Comment: This sequence change replaces alanine, which is neutral and non-polar, with glycine, which is neutral and non-polar, at codon 308 of the NUP62 protein (p.Ala308Gly). This variant is not present in population databases (gnomAD no frequency). This variant has not been reported in the literature in individuals affected with NUP62-related conditions. An algorithm developed to predict the effect of missense changes on protein structure and function (PolyPhen-2) suggests that this variant is likely to be tolerated. In summary, the available evidence is currently insufficient to determine the role of this variant in disease. Therefore, it has been classified as a Variant of Uncertain Significance.

NM_016553.5(NUP62):c.923C>G (p.Ala308Gly)

Genes: IL4I1 (interleukin 4 induced 1; minus strand), NUP62 (nucleoporin 62; minus strand). Cytogenetic location: 19q13.33.
Variant type: single nucleotide variant.
Coding change: c.923C>G on transcript NM_016553.5 (MANE Select); coding-DNA position 923, C replaced by G.
Protein change: p.Ala308Gly; replaces alanine 308 with glycine.
Molecular consequence: missense variant. On other transcripts: intron variant (3).
Genome position (GRCh38, 1-based): chr19:49,908,885, G>C on the plus strand (C>G on the coding strand, the complement: NUP62 is on the minus strand). VCF-style: chr19-49908885-G-C. GRCh37 (hg19) VCF-style: chr19-50412142-G-C.
Other names: c.923C>G, p.Ala308Gly (NM_001193357.2, NM_012346.5, NM_153718.4 and 1 more transcripts); c.-227-4564C>G (NM_001258017.2, NM_172374.3); c.-285-4564C>G (NM_001258018.2); short protein forms A308G.
Identifiers: ClinVar variation 3609074 (VCV003609074.2).